The following is an entry in ClinVar:

NM_020975.6(RET):c.697C>G (p.Gln233Glu)

Gene: RET (ret proto-oncogene; plus strand). Cytogenetic location: 10q11.21.
Variant type: single nucleotide variant.
Coding change: c.697C>G on transcript NM_020975.6 (MANE Select); coding-DNA position 697, C replaced by G.
Protein change: p.Gln233Glu; replaces glutamine 233 with glutamic acid.
Molecular consequence: missense variant.
Genome position (GRCh38, 1-based): chr10:43,105,023, C>G. VCF-style: chr10-43105023-C-G. GRCh37 (hg19) VCF-style: chr10-43600471-C-G.
Other names: c.697C>G, p.Gln233Glu (NM_000323.2, NM_001406743.1, NM_001406744.1 and 8 more transcripts); c.-66C>G (NM_001355216.2); c.568C>G, p.Gln190Glu (NM_001406761.1, NM_001406762.1, NM_001406764.1 and 2 more transcripts); c.409C>G, p.Gln137Glu (NM_001406766.1, NM_001406767.1, NM_001406770.1); short protein forms Q137E, Q190E, Q233E.
Identifiers: ClinVar variation 1715206 (VCV001715206.5), dbSNP rs2132704439, ClinGen allele CA376544594.
Genomic context (GRCh38, chr10:43,105,023, plus strand): 5'-CCCTTCCGCTGCGCCCCGGACAGCCTGGAGGTGAGCACGCGCTGGGCCCTGGACCGCGAG[C>G]AGCGGGAGAAGTACGAGCTGGTGGCCGTGTGCACCGTGCACGCCGGCGCGCGCGAGGAGG-3'
Protein context (NP_066124.1, residues 223-243): VSTRWALDRE[Gln233Glu]REKYELVAVC

ClinVar aggregate classification (germline): Uncertain significance (1 of 4 stars; one submission).

Conditions:
Multiple endocrine neoplasia, type 2 (MEN2). Identifiers: Orphanet 653, MedGen C4048306, MONDO:0019003. Disease mechanism: gain of function.

Submission:

Labcorp Genetics (formerly Invitae), Labcorp
Classification: Uncertain significance for Multiple endocrine neoplasia, type 2. Last evaluated: 2022-08-05. Review status: criteria provided, single submitter. Criteria: Invitae Variant Classification Sherloc (09022015). Collection method: clinical testing. Allele origin: germline.
Comment: Algorithms developed to predict the effect of missense changes on protein structure and function (SIFT, PolyPhen-2, Align-GVGD) all suggest that this variant is likely to be tolerated. In summary, the available evidence is currently insufficient to determine the role of this variant in disease. Therefore, it has been classified as a Variant of Uncertain Significance. This variant has not been reported in the literature in individuals affected with RET-related conditions. This variant is not present in population databases (gnomAD no frequency). This sequence change replaces glutamine, which is neutral and polar, with glutamic acid, which is acidic and polar, at codon 233 of the RET protein (p.Gln233Glu).